The following is an entry in ClinVar:

NM_181882.3(PRX):c.4183G>A (p.Gly1395Ser)

Gene: PRX (periaxin; minus strand). Cytogenetic location: 19q13.2.
Variant type: single nucleotide variant.
Coding change: c.4183G>A on transcript NM_181882.3 (MANE Select); coding-DNA position 4183, G replaced by A.
Protein change: p.Gly1395Ser; replaces glycine 1395 with serine.
Molecular consequence: missense variant. On other transcripts: 3 prime UTR variant (1).
Genome position (GRCh38, 1-based): chr19:40,394,169, C>T on the plus strand (G>A on the coding strand, the complement: PRX is on the minus strand). VCF-style: chr19-40394169-C-T. GRCh37 (hg19) VCF-style: chr19-40900076-C-T.
Other names: c.4468G>A, p.Gly1490Ser (NM_001411127.1); c.*4388G>A (NM_020956.2); short protein forms G1395S, G1490S.
Identifiers: ClinVar variation 1992849 (VCV001992849.4), dbSNP rs2514797196, ClinGen allele CA405890386.
Genomic context (GRCh38, chr19:40,394,169, plus strand): 5'-CCCTGGGGAAGCGGAACTTGGGTGACTTCTCTCTGACGGGGGACTTGGGGGCTGCATCGC[C>T]CTCCTGCCCCCGAGAGGCTTTAGAAGGGGCCGCCAGGCCTACACGTGGCAAGCGGACCCG-3'
Protein context (NP_870998.2, residues 1385-1405): APSKASRGQE[Gly1395Ser]DAAPKSPVRE

ClinVar aggregate classification (germline): Uncertain significance (1 of 4 stars; one submission).

Conditions:
Charcot-Marie-Tooth disease type 4. Also called: Charcot-Marie-Tooth disease, type IV; Charcot-Marie-Tooth, Type 4. Identifiers: Orphanet 64749, MedGen C4082197, MONDO:0018995.

gnomAD v4.1: 1 of 1,587,332 alleles (0.000063%); no homozygotes.

Submission:

Labcorp Genetics (formerly Invitae), Labcorp
Classification: Uncertain significance for Charcot-Marie-Tooth disease type 4. Last evaluated: 2022-05-17. Review status: criteria provided, single submitter. Criteria: Invitae Variant Classification Sherloc (09022015). Collection method: clinical testing. Allele origin: germline.
Comment: This sequence change replaces glycine, which is neutral and non-polar, with serine, which is neutral and polar, at codon 1395 of the PRX protein (p.Gly1395Ser). This variant is not present in population databases (gnomAD no frequency). This variant has not been reported in the literature in individuals affected with PRX-related conditions. Algorithms developed to predict the effect of missense changes on protein structure and function (SIFT, PolyPhen-2, Align-GVGD) all suggest that this variant is likely to be disruptive. In summary, the available evidence is currently insufficient to determine the role of this variant in disease. Therefore, it has been classified as a Variant of Uncertain Significance.